The following is an entry in ClinVar:

ClinVar aggregate classification (germline): Uncertain significance. Review status: criteria provided, multiple submitters, no conflicts (2 of 4 stars). 2 submissions from 2 submitters: Uncertain significance (2). Last evaluated 2026-06-22.

Conditions:
Familial thoracic aortic aneurysm and aortic dissection (TAAD). Also called: Thoracic aortic aneurysms and dissections. Identifiers: Orphanet 91387, MedGen C4707243, MONDO:0019625.
Ehlers-Danlos syndrome, classic type, 1 (EDSCL1). Also called: Ehlers-Danlos syndrome, type 1; EHLERS-DANLOS SYNDROME, GRAVIS TYPE; EHLERS-DANLOS SYNDROME, SEVERE CLASSIC TYPE; Ehlers-Danlos Syndrome, Classic Type, COL5A1-Related; EDS I. Identifiers: MedGen C0268335, MONDO:0019567, OMIM 130000.

Allele frequency attached by ClinVar (database versions not stated): ExAC 0.00002; TOPMed 0.00001.
gnomAD v4.1: 11 of 1,614,072 alleles (0.00068%); highest among the groups gnomAD compares: Non-Finnish European, 0.00093%; no homozygotes.

Submissions (2):

Ambry Genetics
Classification: Uncertain significance for Familial thoracic aortic aneurysm and aortic dissection. Last evaluated: 2026-06-22. Review status: criteria provided, single submitter. Criteria: Ambry Variant Classification Scheme 2023. Collection method: clinical testing. Allele origin: germline.
Comment: The p.R1283C variant (also known as c.3847C>T), located in coding exon 51 of the COL5A2 gene, results from a C to T substitution at nucleotide position 3847. The arginine at codon 1283 is replaced by cysteine, an amino acid with highly dissimilar properties. This amino acid position is conserved. In addition, the in silico prediction for this alteration is inconclusive. Based on the available evidence, the clinical significance of this variant remains unclear.

Labcorp Genetics (formerly Invitae), Labcorp
Classification: Uncertain significance for Ehlers-Danlos syndrome, classic type, 1. Last evaluated: 2023-11-22. Review status: criteria provided, single submitter. Criteria: Invitae Variant Classification Sherloc (09022015). Collection method: clinical testing. Allele origin: germline.
Comment: This sequence change replaces arginine, which is basic and polar, with cysteine, which is neutral and slightly polar, at codon 1283 of the COL5A2 protein (p.Arg1283Cys). This variant is present in population databases (rs757841252, gnomAD 0.002%). This variant has not been reported in the literature in individuals affected with COL5A2-related conditions. Advanced modeling of protein sequence and biophysical properties (such as structural, functional, and spatial information, amino acid conservation, physicochemical variation, residue mobility, and thermodynamic stability) performed at Invitae indicates that this missense variant is not expected to disrupt COL5A2 protein function with a negative predictive value of 80%. In summary, the available evidence is currently insufficient to determine the role of this variant in disease. Therefore, it has been classified as a Variant of Uncertain Significance.

NM_000393.5(COL5A2):c.3847C>T (p.Arg1283Cys)

Gene: COL5A2 (collagen type V alpha 2 chain; minus strand). Cytogenetic location: 2q32.2.
Variant type: single nucleotide variant.
Coding change: c.3847C>T on transcript NM_000393.5 (MANE Select); coding-DNA position 3847, C replaced by T.
Protein change: p.Arg1283Cys; replaces arginine 1283 with cysteine.
Molecular consequence: missense variant.
Genome position (GRCh38, 1-based): chr2:189,039,350, G>A on the plus strand (C>T on the coding strand, the complement: COL5A2 is on the minus strand). VCF-style: chr2-189039350-G-A. GRCh37 (hg19) VCF-style: chr2-189904076-G-A.
Other names: c.3847C>T (NM_000393.3); short protein forms R1283C.
Identifiers: ClinVar variation 2721223 (VCV002721223.4), dbSNP rs757841252, ClinGen allele CA2021909.